The following is an entry in ClinVar:

ClinVar aggregate classification (germline): Uncertain significance. Review status: criteria provided, multiple submitters, no conflicts (2 of 4 stars). 2 submissions from 2 submitters: Uncertain significance (2). Last evaluated 2024-08-28.

gnomAD v4.1: 3 of 1,613,418 alleles (0.00019%); highest among the groups gnomAD compares: African/African-American, 0.004%; no homozygotes.

Submissions (2):

Ambry Genetics
Classification: Uncertain significance. Last evaluated: 2024-08-28. Review status: criteria provided, single submitter. Criteria: Ambry Variant Classification Scheme 2023. Collection method: clinical testing. Allele origin: germline.

Labcorp Genetics (formerly Invitae), Labcorp
Classification: Uncertain significance. Last evaluated: 2024-03-02. Review status: criteria provided, single submitter. Criteria: Invitae Variant Classification Sherloc (09022015). Collection method: clinical testing. Allele origin: germline.
Comment: This sequence change replaces arginine, which is basic and polar, with serine, which is neutral and polar, at codon 237 of the HMCN1 protein (p.Arg237Ser). This variant is present in population databases (rs768091506, gnomAD 0.007%). This variant has not been reported in the literature in individuals affected with HMCN1-related conditions. An algorithm developed to predict the effect of missense changes on protein structure and function (PolyPhen-2) suggests that this variant is likely to be tolerated. In summary, the available evidence is currently insufficient to determine the role of this variant in disease. Therefore, it has been classified as a Variant of Uncertain Significance.

NM_031935.3(HMCN1):c.711A>T (p.Arg237Ser)

Gene: HMCN1 (hemicentin 1; plus strand). Cytogenetic location: 1q31.1.
Variant type: single nucleotide variant.
Coding change: c.711A>T on transcript NM_031935.3 (MANE Select); coding-DNA position 711, A replaced by T.
Protein change: p.Arg237Ser; replaces arginine 237 with serine.
Molecular consequence: missense variant.
Genome position (GRCh38, 1-based): chr1:185,909,426, A>T. VCF-style: chr1-185909426-A-T. GRCh37 (hg19) VCF-style: chr1-185878558-A-T.
Other names: short protein forms R237S.
Identifiers: ClinVar variation 3525898 (VCV003525898.3).